The following is an entry in ClinVar:

ClinVar aggregate classification (germline): Likely benign (1 of 4 stars; one submission).

Submission:

CeGaT Center for Human Genetics Tuebingen
Classification: Likely benign. Last evaluated: 2023-03-01. Review status: criteria provided, single submitter. Criteria: CeGaT Center For Human Genetics Tuebingen Variant Classification Criteria Version 2. Collection method: clinical testing. Allele origin: germline. Affected: yes. Observed: 1 variant allele.
Comment: PPP1R16A: PM2:Supporting, BP4, BP7

NM_001329443.2(PPP1R16A):c.1188G>A (p.Arg396=)

Gene: PPP1R16A (protein phosphatase 1 regulatory subunit 16A; plus strand). Cytogenetic location: 8q24.3.
Variant type: single nucleotide variant.
Coding change: c.1188G>A on transcript NM_001329443.2 (MANE Select); coding-DNA position 1188, G replaced by A.
Protein change: p.Arg396=; no amino-acid change (arginine 396 retained).
Molecular consequence: synonymous variant.
Genome position (GRCh38, 1-based): chr8:144,501,279, G>A. VCF-style: chr8-144501279-G-A. GRCh37 (hg19) VCF-style: chr8-145726662-G-A.
Other names: c.1188G>A, p.Arg396= (NM_001329445.2, NM_032902.7, NM_001329442.2 and 1 more transcripts).
Identifiers: ClinVar variation 2658993 (VCV002658993.24), dbSNP rs2537884779, ClinGen allele CA463564026.